The following is an entry in ClinVar:

NM_001365276.2(TNXB):c.7259C>T (p.Thr2420Ile)

Gene: TNXB (tenascin XB; minus strand). Cytogenetic location: 6p21.33.
Variant type: single nucleotide variant.
Coding change: c.7259C>T on transcript NM_001365276.2 (MANE Select); coding-DNA position 7259, C replaced by T.
Protein change: p.Thr2420Ile; replaces threonine 2420 with isoleucine.
Molecular consequence: missense variant.
Genome position (GRCh38, 1-based): chr6:32,061,630, G>A on the plus strand (C>T on the coding strand, the complement: TNXB is on the minus strand). VCF-style: chr6-32061630-G-A. GRCh37 (hg19) VCF-style: chr6-32029407-G-A.
Other names: c.7259C>T, p.Thr2420Ile (NM_019105.8); short protein forms T2420I.
Identifiers: ClinVar variation 2451178 (VCV002451178.2), dbSNP rs2483510569, ClinGen allele CA363553109.

ClinVar aggregate classification (germline): Uncertain significance (1 of 4 stars; one submission).

Conditions:
Cardiovascular phenotype. Identifiers: MedGen CN230736.

Submission:

Ambry Genetics
Classification: Uncertain significance for Cardiovascular phenotype. Last evaluated: 2023-02-16. Review status: criteria provided, single submitter. Criteria: Ambry Variant Classification Scheme 2023. Collection method: clinical testing. Allele origin: germline.
Comment: The p.T2420I variant (also known as c.7259C>T), located in coding exon 20 of the TNXB gene, results from a C to T substitution at nucleotide position 7259. The threonine at codon 2420 is replaced by isoleucine, an amino acid with similar properties. This amino acid position is conserved. In addition, this alteration is predicted to be tolerated by in silico analysis. Since supporting evidence is limited at this time, the clinical significance of this alteration remains unclear.